The following is an entry in ClinVar:

ClinVar aggregate classification (germline): Conflicting classifications of pathogenicity. Review status: criteria provided, conflicting classifications (1 of 4 stars). 2 submissions from 2 submitters: Uncertain significance (1); Likely benign (1). Last evaluated 2022-10-13.

Conditions:
Inborn genetic diseases. Identifiers: MedGen C0950123, MeSH D030342.

Allele frequency attached by ClinVar (database versions not stated): gnomAD exomes 0.00003 and 0.00006; gnomAD 0.00007; TOPMed 0.00007; ExAC 0.00009.
gnomAD v4.1: 58 of 1,575,812 alleles (0.0037%); highest among the groups gnomAD compares: Admixed American, 0.038%; no homozygotes.

Submissions (2):

Labcorp Genetics (formerly Invitae), Labcorp
Classification: Uncertain significance. Last evaluated: 2022-10-13. Review status: criteria provided, single submitter. Criteria: Invitae Variant Classification Sherloc (09022015). Collection method: clinical testing. Allele origin: germline.
Comment: This sequence change replaces alanine, which is neutral and non-polar, with threonine, which is neutral and polar, at codon 1004 of the ARHGEF18 protein (p.Ala1004Thr). The frequency data for this variant in the population databases is considered unreliable, as metrics indicate poor data quality at this position in the gnomAD database. This variant has not been reported in the literature in individuals affected with ARHGEF18-related conditions. ClinVar contains an entry for this variant (Variation ID: 1433283). Algorithms developed to predict the effect of missense changes on protein structure and function output the following: SIFT: "Tolerated"; PolyPhen-2: "Benign"; Align-GVGD: "Class C0". The threonine amino acid residue is found in multiple mammalian species, which suggests that this missense change does not adversely affect protein function. In summary, the available evidence is currently insufficient to determine the role of this variant in disease. Therefore, it has been classified as a Variant of Uncertain Significance.

Ambry Genetics
Classification: Likely benign for Inborn genetic diseases. Last evaluated: 2022-02-11. Review status: criteria provided, single submitter. Criteria: Ambry Variant Classification Scheme 2023. Collection method: clinical testing. Allele origin: germline.

NM_001367823.1(ARHGEF18):c.3574G>A (p.Ala1192Thr)

Gene: ARHGEF18 (Rho/Rac guanine nucleotide exchange factor 18; plus strand). Cytogenetic location: 19p13.2.
Variant type: single nucleotide variant.
Coding change: c.3574G>A on transcript NM_001367823.1 (MANE Select); coding-DNA position 3574, G replaced by A.
Protein change: p.Ala1192Thr; replaces alanine 1192 with threonine.
Molecular consequence: missense variant.
Genome position (GRCh38, 1-based): chr19:7,468,918, G>A. VCF-style: chr19-7468918-G-A. GRCh37 (hg19) VCF-style: chr19-7533804-G-A.
Other names: c.2848G>A, p.Ala950Thr (NM_001130955.2); c.2536G>A, p.Ala846Thr (NM_001367824.1, NM_015318.4); c.3010G>A (NM_001130955.1); short protein forms A846T, A950T, A1192T.
Identifiers: ClinVar variation 1433283 (VCV001433283.4), dbSNP rs777373247, ClinGen allele CA9137175.